The following is an entry in ClinVar:

NM_000501.4(ELN):c.213G>A (p.Ala71=)

Gene: ELN (elastin; plus strand). Cytogenetic location: 7q11.23.
Variant type: single nucleotide variant.
Coding change: c.213G>A on transcript NM_000501.4 (MANE Select); coding-DNA position 213, G replaced by A.
Protein change: p.Ala71=; no amino-acid change (alanine 71 retained).
Molecular consequence: synonymous variant. On other transcripts: intron variant (1).
Genome position (GRCh38, 1-based): chr7:74,041,232, G>A. VCF-style: chr7-74041232-G-A. GRCh37 (hg19) VCF-style: chr7-73455562-G-A.
Other names: c.183G>A, p.Ala61= (NM_001081752.3, NM_001278914.2, NM_001278917.2 and 1 more transcripts); c.213G>A, p.Ala71= (NM_001081753.3, NM_001081754.3, NM_001081755.3 and 4 more transcripts); c.197-1382G>A (NM_001278913.2).
Identifiers: ClinVar variation 1123203 (VCV001123203.33), dbSNP rs202194806, ClinGen allele CA4292380.

ClinVar aggregate classification (germline): Likely benign. Review status: criteria provided, multiple submitters, no conflicts (2 of 4 stars). 2 submissions from 2 submitters: Likely benign (2). Last evaluated 2025-12-02.

Conditions:
Supravalvar aortic stenosis (SVAS). Also called: Supravalvar aortic stenosis, Eisenberg type. Identifiers: Orphanet 3193, MedGen C0003499, MONDO:0008504, OMIM 185500, HP:0004381.

Allele frequency attached by ClinVar (database versions not stated): gnomAD 0.00005 and 0.00006; TOPMed 0.00005; gnomAD exomes 0.00007 and 0.00011; ExAC 0.00012; 1000 Genomes Project 30x 0.00016; 1000 Genomes Project 0.00020.
gnomAD v4.1: 108 of 1,613,962 alleles (0.0067%); highest among the groups gnomAD compares: Middle Eastern, 0.033%; no homozygotes.

Submissions (3):

Labcorp Genetics (formerly Invitae), Labcorp
Classification: Likely benign for Supravalvar aortic stenosis. Last evaluated: 2025-12-02. Review status: criteria provided, single submitter. Criteria: Invitae Variant Classification Sherloc (09022015). Collection method: clinical testing. Allele origin: germline.

CeGaT Center for Human Genetics Tuebingen
Classification: Likely benign. Last evaluated: 2023-05-01. Review status: criteria provided, single submitter. Criteria: CeGaT Center For Human Genetics Tuebingen Variant Classification Criteria Version 2. Collection method: clinical testing. Allele origin: germline. Affected: yes. Observed: 1 variant allele.
Comment: ELN: BP4, BP7

Dr. Peter K. Rogan Lab, Western University
No classification provided (evidence only). Condition: Thyroid cancer, nonmedullary, 1. Review status: no classification provided. Collection method: in vitro. Allele origin: not applicable. Functional consequence: retained intron. Not counted in ClinVar's aggregate classification.